The following is an entry in ClinVar:

ClinVar aggregate classification (germline): Uncertain significance (1 of 4 stars; one submission).

Conditions:
Inborn genetic diseases. Identifiers: MedGen C0950123, MeSH D030342.

Submission:

Ambry Genetics
Classification: Uncertain significance for Inborn genetic diseases. Last evaluated: 2026-07-06. Review status: criteria provided, single submitter. Criteria: Ambry Variant Classification Scheme 2023. Collection method: clinical testing. Allele origin: germline.
Comment: The p.A259P variant (also known as c.775G>C), located in coding exon 1 of the CEBPA gene, results from a G to C substitution at nucleotide position 775. The alanine at codon 259 is replaced by proline, an amino acid with highly similar properties. This amino acid position is conserved. In addition, this alteration is predicted to be tolerated by in silico analysis. Based on the available evidence, the clinical significance of this variant remains unclear.

NM_004364.5(CEBPA):c.775G>C (p.Ala259Pro)

Gene: CEBPA (CCAAT enhancer binding protein alpha; minus strand). Cytogenetic location: 19q13.11.
Variant type: single nucleotide variant.
Coding change: c.775G>C on transcript NM_004364.5 (MANE Select); coding-DNA position 775, G replaced by C.
Protein change: p.Ala259Pro; replaces alanine 259 with proline.
Molecular consequence: missense variant.
Genome position (GRCh38, 1-based): chr19:33,301,640, C>G on the plus strand (G>C on the coding strand, the complement: CEBPA is on the minus strand). VCF-style: chr19-33301640-C-G. GRCh37 (hg19) VCF-style: chr19-33792546-C-G.
Other names: c.418G>C, p.Ala140Pro (NM_001285829.2); c.880G>C, p.Ala294Pro (NM_001287424.2); c.733G>C, p.Ala245Pro (NM_001287435.2); short protein forms A140P, A245P, A294P, A259P.
Identifiers: ClinVar variation 5034280 (VCV005034280.1).
Genomic context (GRCh38, chr19:33,301,640, plus strand): 5'-CCACCGACTTCTTGGCCTTGCCCGCGCCGCTGCCGCCACTCGCGCGGAGGTCGGGGTGCG[C>G]GGCGCCCAGCCCCTTGAGCGCGCTGCCAGGGCCCGGCAGGCCGGCGGCACCGAGCGCGGG-3'
Protein context (NP_004355.2, residues 249-269): PGSALKGLGA[Ala259Pro]HPDLRASGGS